The following is an entry in ClinVar:

ClinVar aggregate classification (germline): Uncertain significance. Review status: criteria provided, multiple submitters, no conflicts (2 of 4 stars). 2 submissions from 2 submitters: Uncertain significance (2). Last evaluated 2025-02-28.

Conditions:
Dyskeratosis congenita, autosomal recessive 5 (DKCB5). Identifiers: MedGen C3554656, MONDO:0014076, OMIM 615190.
Pulmonary fibrosis and/or bone marrow failure, Telomere-related, 3. Also called: PULMONARY FIBROSIS AND/OR BONE MARROW FAILURE SYNDROME, TELOMERE-RELATED, 3. Identifiers: Orphanet 2032, MedGen C4225346, MONDO:0014613, OMIM 616373.
Inborn genetic diseases. Identifiers: MedGen C0950123, MeSH D030342.

Allele frequency attached by ClinVar (database versions not stated): gnomAD exomes below 0.00001.
gnomAD v4.1: 2 of 1,612,330 alleles (0.00012%); highest among the groups gnomAD compares: East Asian, 0.0022%; no homozygotes.

Submissions (2):

Ambry Genetics
Classification: Uncertain significance for Inborn genetic diseases. Last evaluated: 2025-02-28. Review status: criteria provided, single submitter. Criteria: Ambry Variant Classification Scheme 2023. Collection method: clinical testing. Allele origin: germline.
Comment: The p.P1122S variant (also known as c.3364C>T), located in coding exon 32 of the RTEL1 gene, results from a C to T substitution at nucleotide position 3364. The proline at codon 1122 is replaced by serine, an amino acid with similar properties. This amino acid position is conserved. In addition, the in silico prediction for this alteration is inconclusive. Based on the available evidence, the clinical significance of this variant remains unclear.

Labcorp Genetics (formerly Invitae), Labcorp
Classification: Uncertain significance for Dyskeratosis congenita, autosomal recessive 5; Pulmonary fibrosis and/or bone marrow failure, Telomere-related, 3. Last evaluated: 2023-08-16. Review status: criteria provided, single submitter. Criteria: Invitae Variant Classification Sherloc (09022015). Collection method: clinical testing. Allele origin: germline.
Comment: In summary, the available evidence is currently insufficient to determine the role of this variant in disease. Therefore, it has been classified as a Variant of Uncertain Significance. An algorithm developed to predict the effect of missense changes on protein structure and function (PolyPhen-2) suggests that this variant is likely to be disruptive. This variant has not been reported in the literature in individuals affected with RTEL1-related conditions. This variant is not present in population databases (gnomAD no frequency). This sequence change replaces proline, which is neutral and non-polar, with serine, which is neutral and polar, at codon 1122 of the RTEL1 protein (p.Pro1122Ser).

NM_001283009.2(RTEL1):c.3364C>T (p.Pro1122Ser)

Genes: RTEL1-TNFRSF6B (RTEL1-TNFRSF6B readthrough (NMD candidate); plus strand), RTEL1 (regulator of telomere elongation helicase 1; plus strand). Cytogenetic location: 20q13.33.
Variant type: single nucleotide variant.
Coding change: c.3364C>T on transcript NM_001283009.2 (MANE Select); coding-DNA position 3364, C replaced by T.
Protein change: p.Pro1122Ser; replaces proline 1122 with serine.
Molecular consequence: missense variant. On other transcripts: non-coding transcript variant (1).
Genome position (GRCh38, 1-based): chr20:63,695,086, C>T. VCF-style: chr20-63695086-C-T. GRCh37 (hg19) VCF-style: chr20-62326439-C-T.
Other names: c.2695C>T, p.Pro899Ser (NM_001283010.1); c.3364C>T, p.Pro1122Ser (NM_016434.4); c.3436C>T, p.Pro1146Ser (NM_032957.5); short protein forms P1122S, P1146S, P899S.
Identifiers: ClinVar variation 2931312 (VCV002931312.4), dbSNP rs2517200478, ClinGen allele CA409685280.